The following is an entry in ClinVar:

NM_006506.5(RASA2):c.2225+1G>C

Gene: RASA2 (RAS p21 protein activator 2; plus strand). Cytogenetic location: 3q23.
Variant type: single nucleotide variant.
Coding change: c.2225+1G>C on transcript NM_006506.5 (MANE Select); the canonical splice donor site of the intron after coding-DNA position 2225, G replaced by C.
Molecular consequence: splice donor variant.
Genome position (GRCh38, 1-based): chr3:141,608,698, G>C. VCF-style: chr3-141608698-G-C. GRCh37 (hg19) VCF-style: chr3-141327540-G-C.
Other names: c.2228+1G>C (NM_001303245.3); c.2237+1G>C (NM_001303246.3).
Identifiers: ClinVar variation 4767021 (VCV004767021.1).

ClinVar aggregate classification (germline): Uncertain significance (1 of 4 stars; one submission).

gnomAD v4.1: 1 of 1,610,824 alleles (0.000062%); highest among the groups gnomAD compares: Non-Finnish European, 0.000085%; no homozygotes.

Submission:

Labcorp Genetics (formerly Invitae), Labcorp
Classification: Uncertain significance. Last evaluated: 2025-07-09. Review status: criteria provided, single submitter. Criteria: Invitae Variant Classification Sherloc (09022015). Collection method: clinical testing. Allele origin: germline.
Comment: This sequence change affects a donor splice site in intron 21 of the RASA2 gene. It is expected to disrupt RNA splicing. Variants that disrupt the donor or acceptor splice site typically lead to a loss of protein function (PMID: 16199547), however the current clinical and genetic evidence is not sufficient to establish whether loss-of-function variants in RASA2 cause disease. This variant is not present in population databases (gnomAD no frequency). This variant has not been reported in the literature in individuals affected with RASA2-related conditions. Algorithms developed to predict the effect of sequence changes on RNA splicing suggest that this variant may disrupt the consensus splice site. In summary, the available evidence is currently insufficient to determine the role of this variant in disease. Therefore, it has been classified as a Variant of Uncertain Significance.

Literature cited by the submitters: PubMed 16199547.